The following is an entry in ClinVar:

NM_005476.7(GNE):c.647T>C (p.Val216Ala)

Gene: GNE (glucosamine (UDP-N-acetyl)-2-epimerase/N-acetylmannosamine kinase; minus strand). Cytogenetic location: 9p13.3.
Variant type: single nucleotide variant.
Coding change: c.647T>C on transcript NM_005476.7 (MANE Select); coding-DNA position 647, T replaced by C.
Protein change: p.Val216Ala; replaces valine 216 with alanine.
Molecular consequence: missense variant. On other transcripts: intron variant (2).
Genome position (GRCh38, 1-based): chr9:36,236,954, A>G on the plus strand (T>C on the coding strand, the complement: GNE is on the minus strand). VCF-style: chr9-36236954-A-G. GRCh37 (hg19) VCF-style: chr9-36236951-A-G.
Other names: c.740T>C, p.Val247Ala (NM_001128227.3); c.647T>C, p.Val216Ala (NM_001190383.3); c.470T>C, p.Val157Ala (NM_001190388.2, NM_001374798.1); c.440-2822T>C (NM_001190384.3); c.617-2822T>C (NM_001374797.1); short protein forms V216A, V247A, V157A.
Identifiers: ClinVar variation 218297 (VCV000218297.32), dbSNP rs779694939, ClinGen allele CA277854.

ClinVar aggregate classification (germline): Pathogenic/Likely pathogenic. Review status: criteria provided, multiple submitters, no conflicts (2 of 4 stars). 13 submissions from 12 submitters: Pathogenic (6); Likely pathogenic (5). 2 of the submissions do not count toward it. Last evaluated 2025-11-18.

Conditions:
GNE-related disorders.
Sialuria. Also called: SIALURIA, FRENCH TYPE; Sialic Acid Storage Disease. Identifiers: Orphanet 3166, MedGen C0342853, MONDO:0010028, OMIM 269921.
GNE myopathy (NM). Also called: NONAKA DISTAL MYOPATHY; INCLUSION BODY MYOPATHY, HEREDITARY, AUTOSOMAL RECESSIVE; INCLUSION BODY MYOPATHY 2, AUTOSOMAL RECESSIVE; IBM 2; Inclusion body myopathy autosomal recessive; Inclusion body myopathy quadriceps sparing. Identifiers: Orphanet 602, MedGen C1853926, MONDO:0011603, OMIM 605820.
Thrombocytopenia 12 with or without myopathy (THC12). Identifiers: MedGen C5935593, MONDO:0958325, OMIM 620757.

Allele frequency attached by ClinVar (database versions not stated): ExAC 0.00002; TOPMed 0.00004; gnomAD exomes 0.00002 and 0.00007; gnomAD 0.00004.
gnomAD v4.1: 114 of 1,611,924 alleles (0.0071%); highest among the groups gnomAD compares: Non-Finnish European, 0.0089%; no homozygotes.

Submissions (13):

Labcorp Genetics (formerly Invitae), Labcorp
Classification: Pathogenic for Sialuria; GNE myopathy. Last evaluated: 2025-11-18. Review status: criteria provided, single submitter. Criteria: Invitae Variant Classification Sherloc (09022015). Collection method: clinical testing. Allele origin: germline.
Comment: This sequence change replaces valine, which is neutral and non-polar, with alanine, which is neutral and non-polar, at codon 247 of the GNE protein (p.Val247Ala). This variant is present in population databases (rs779694939, gnomAD 0.006%). This missense change has been observed in individual(s) with autosomal recessive myopathy (PMID: 12473769, 24136589, 24695763). In at least one individual the data is consistent with being in trans (on the opposite chromosome) from a pathogenic variant. It has also been observed to segregate with disease in related individuals. This variant is also known as p.Val216Ala. ClinVar contains an entry for this variant (Variation ID: 218297). Invitae Evidence Modeling of protein sequence and biophysical properties (such as structural, functional, and spatial information, amino acid conservation, physicochemical variation, residue mobility, and thermodynamic stability) has been performed for this missense variant. However, the output from this modeling did not meet the statistical confidence thresholds required to predict the impact of this variant on GNE protein function. Experimental studies have shown that this missense change affects GNE function (PMID: 15987957). For these reasons, this variant has been classified as Pathogenic.

Natera, Inc.
Classification: Pathogenic for Nonaka myopathy. Last evaluated: 2024-10-05. Review status: criteria provided, single submitter. Criteria: Natera Variant Classification Schema (03/2026). Collection method: clinical testing. Allele origin: germline.
Comment: The c.740T>C variant in GNE is a missense variant predicted to cause substitution of valine to alanine at amino acid 247. This variant is rare in the general population with a frequency below the threshold expected for the associated phenotype(s). This variant has been observed in one or more individuals affected with the associated recessive disease, as either homozygous or compound heterozygous with a second variant (PMID: 15987957, 24695763). Computational prediction algorithms indicate this variant is likely to affect gene or protein function. Given the available evidence, this variant is classified as Pathogenic.

Baylor Genetics
Classification: Likely pathogenic for GNE myopathy. Last evaluated: 2024-01-16. Review status: criteria provided, single submitter. Criteria: ACMG Guidelines, 2015. Collection method: clinical testing. Allele origin: unknown.

Fulgent Genetics
Classification: Likely pathogenic for Sialuria; GNE myopathy; Thrombocytopenia 12 with or without myopathy. Last evaluated: 2024-01-15. Review status: criteria provided, single submitter. Criteria: ACMG Guidelines, 2015. Collection method: clinical testing. Allele origin: germline.

Blueprint Genetics
Classification: Pathogenic for GNE-related disorders. Last evaluated: 2023-08-25. Review status: criteria provided, single submitter. Criteria: ACMG Guidelines, 2015. Collection method: clinical testing. Allele origin: germline. Affected: yes. Observed: 2 variant alleles.

Women's Health and Genetics/Laboratory Corporation of America, LabCorp
Classification: Pathogenic for GNE myopathy. Last evaluated: 2022-08-21. Review status: criteria provided, single submitter. Criteria: LabCorp Variant Classification Summary - May 2015. Collection method: clinical testing. Allele origin: germline.
Comment: Variant summary: GNE c.740T>C (p.Val247Ala) results in a non-conservative amino acid change located in the UDP-N-acetylglucosamine 2-epimerase domain (IPR003331) of the encoded protein sequence. Five of five in-silico tools predict a damaging effect of the variant on protein function. The variant allele was found at a frequency of 2.4e-05 in 251348 control chromosomes. c.740T>C has been reported in the literature in individuals affected with Inclusion Body Myopathy 2 (example, Vasconcelos_2002, Gottileb_2005, Chaouch_2014, Patzel_2014, Chrisman_2020). These data indicate that the variant is likely to be associated with disease. At least one publication reports experimental evidence evaluating an impact on protein function (Sparks_2005). The most pronounced variant effect results in <2% of normal epimerase activity in-vitro. Six clinical diagnostic laboratories have submitted clinical-significance assessments for this variant to ClinVar after 2014 without evidence for independent evaluation. All laboratories classified the variant as pathogenic/likely pathogenic. Based on the evidence outlined above, the variant was classified as pathogenic.

Revvity Omics, Revvity
Classification: Likely pathogenic. Last evaluated: 2022-06-25. Review status: criteria provided, single submitter. Criteria: ACMG Guidelines, 2015. Collection method: clinical testing. Allele origin: germline.

GeneDx
Classification: Pathogenic. Last evaluated: 2022-06-01. Review status: criteria provided, single submitter. Criteria: GeneDx Variant Classification Process June 2021. Collection method: clinical testing. Allele origin: germline. Affected: yes.
Comment: Functional studies have shown that the V216A variant reduces GNE enzyme activity (Sparks et al., 2005).; In silico analysis supports that this missense variant has a deleterious effect on protein structure/function; This variant is associated with the following publications: (PMID: 24695763, 19917666, 33214394, 30564623, 15987957, 14972325, 25002140, 12473769)

Athena Diagnostics
Classification: Pathogenic. Last evaluated: 2017-01-24. Review status: criteria provided, single submitter. Criteria: Athena Diagnostics Criteria. Collection method: clinical testing. Allele origin: germline.

Eurofins Ntd Llc (ga)
Classification: Likely pathogenic. Last evaluated: 2016-03-16. Review status: criteria provided, single submitter. Criteria: EGL Classification Definitions 2015. Collection method: clinical testing. Allele origin: germline. Observed: 1 variant allele, 1 heterozygote.

Baylor Genetics
Classification: Likely pathogenic for GNE myopathy; Sialuria. Review status: criteria provided, single submitter. Criteria: ACMG Guidelines, 2015. Collection method: clinical testing. Allele origin: germline.

Counsyl
Classification: Likely pathogenic for GNE myopathy. Last evaluated: 2017-02-17. Review status: no assertion criteria provided. Collection method: clinical testing. Allele origin: unknown. Not counted in ClinVar's aggregate classification.

OMIM
Classification: Pathogenic for NONAKA MYOPATHY. Last evaluated: 2002-12-10. Review status: no assertion criteria provided. Collection method: literature only. Allele origin: germline. Not counted in ClinVar's aggregate classification.

Literature cited by the submitters: PubMed 12473769 (cited by 5 submitters); PubMed 24136589 (cited by 3 submitters); PubMed 24695763 (cited by 5 submitters); PubMed 15987957 (cited by 5 submitters); PubMed 33214394 (cited by Women's Health and Genetics/Laboratory Corporation of America, LabCorp); PubMed 16112887 (cited by Women's Health and Genetics/Laboratory Corporation of America, LabCorp and Athena Diagnostics); PubMed 29305133 (cited by Women's Health and Genetics/Laboratory Corporation of America, LabCorp); PubMed 25123033 (cited by Athena Diagnostics); PubMed 14972325 (cited by Athena Diagnostics); PubMed 19917666 (cited by Counsyl).